The following is an entry in ClinVar:

ClinVar aggregate classification (germline): Uncertain significance. Review status: criteria provided, multiple submitters, no conflicts (2 of 4 stars). 2 submissions from 2 submitters: Uncertain significance (2). Last evaluated 2023-09-10.

Conditions:
Familial hypocalciuric hypercalcemia (FHH). Also called: Familial benign hypercalcemia. Identifiers: Orphanet 405, MedGen C1809471, MONDO:0018458.
Autosomal dominant hypocalcemia 1 (HYPOC1). Also called: HYPOCALCEMIA, FAMILIAL. Identifiers: MedGen C3715128, MONDO:0011013, OMIM 601198.
Nephrolithiasis/nephrocalcinosis. Identifiers: MedGen CN580796.

Allele frequency attached by ClinVar (database versions not stated): gnomAD exomes below 0.00001.
gnomAD v4.1: 1 of 1,613,532 alleles (0.000062%); highest among the groups gnomAD compares: Admixed American, 0.0017%; no homozygotes.

Submissions (2):

Labcorp Genetics (formerly Invitae), Labcorp
Classification: Uncertain significance for Familial hypocalciuric hypercalcemia; Autosomal dominant hypocalcemia 1. Last evaluated: 2023-09-10. Review status: criteria provided, single submitter. Criteria: Invitae Variant Classification Sherloc (09022015). Collection method: clinical testing. Allele origin: germline.
Comment: An algorithm developed to predict the effect of missense changes on protein structure and function (PolyPhen-2) suggests that this variant is likely to be tolerated. In summary, the available evidence is currently insufficient to determine the role of this variant in disease. Therefore, it has been classified as a Variant of Uncertain Significance. ClinVar contains an entry for this variant (Variation ID: 1795445). This variant has not been reported in the literature in individuals affected with CASR-related conditions. This variant is not present in population databases (gnomAD no frequency). This sequence change replaces isoleucine, which is neutral and non-polar, with asparagine, which is neutral and polar, at codon 914 of the CASR protein (p.Ile914Asn).

Ambry Genetics
Classification: Uncertain significance for Nephrolithiasis/nephrocalcinosis. Last evaluated: 2022-10-19. Review status: criteria provided, single submitter. Criteria: Ambry Variant Classification Scheme 2023. Collection method: clinical testing. Allele origin: germline.
Comment: The p.I914N variant (also known as c.2741T>A), located in coding exon 6 of the CASR gene, results from a T to A substitution at nucleotide position 2741. The isoleucine at codon 914 is replaced by asparagine, an amino acid with dissimilar properties. This amino acid position is conserved. In addition, the in silico prediction for this alteration is inconclusive. Since supporting evidence is limited at this time, the clinical significance of this alteration remains unclear.

NM_000388.4(CASR):c.2741T>A (p.Ile914Asn)

Gene: CASR (calcium sensing receptor; plus strand). Cytogenetic location: 3q21.1.
Variant type: single nucleotide variant.
Coding change: c.2741T>A on transcript NM_000388.4 (MANE Select); coding-DNA position 2741, T replaced by A.
Protein change: p.Ile914Asn; replaces isoleucine 914 with asparagine.
Molecular consequence: missense variant.
Genome position (GRCh38, 1-based): chr3:122,284,695, T>A. VCF-style: chr3-122284695-T-A. GRCh37 (hg19) VCF-style: chr3-122003542-T-A.
Other names: c.2771T>A, p.Ile924Asn (NM_001178065.2); short protein forms I924N, I914N.
Identifiers: ClinVar variation 1795445 (VCV001795445.7), dbSNP rs2074944863, ClinGen allele CA354160661.